The following is an entry in ClinVar:

NM_004064.5(CDKN1B):c.517A>T (p.Asn173Tyr)

Gene: CDKN1B (cyclin dependent kinase inhibitor 1B; plus strand). Cytogenetic location: 12p13.1.
Variant type: single nucleotide variant.
Coding change: c.517A>T on transcript NM_004064.5 (MANE Select); coding-DNA position 517, A replaced by T.
Protein change: p.Asn173Tyr; replaces asparagine 173 with tyrosine.
Molecular consequence: missense variant.
Genome position (GRCh38, 1-based): chr12:12,718,866, A>T. VCF-style: chr12-12718866-A-T. GRCh37 (hg19) VCF-style: chr12-12871800-A-T.
Other names: short protein forms N173Y.
Identifiers: ClinVar variation 2112050 (VCV002112050.4), dbSNP rs2497407530, ClinGen allele CA383972876.
Genomic context (GRCh38, chr12:12,718,866, plus strand): 5'-AAATTTCCCCTGCGCTTAGATTCTTCTACTCAAAACAAAAGAGCCAACAGAACAGAAGAA[A>T]ATGTTTCAGACGGTTCCCCAAATGCCGGTTCTGTGGAGCAGACGCCCAAGAAGCCTGGCC-3'
Protein context (NP_004055.1, residues 163-183): QNKRANRTEE[Asn173Tyr]VSDGSPNAGS

ClinVar aggregate classification (germline): Uncertain significance (1 of 4 stars; one submission).

Conditions:
Multiple endocrine neoplasia type 4. Also called: MULTIPLE ENDOCRINE NEOPLASIA, TYPE IV. Identifiers: Orphanet 276152, MedGen C1970712, MONDO:0012552, OMIM 610755.

Submission:

Labcorp Genetics (formerly Invitae), Labcorp
Classification: Uncertain significance for Multiple endocrine neoplasia type 4. Last evaluated: 2022-03-14. Review status: criteria provided, single submitter. Criteria: Invitae Variant Classification Sherloc (09022015). Collection method: clinical testing. Allele origin: germline.
Comment: This sequence change replaces asparagine, which is neutral and polar, with tyrosine, which is neutral and polar, at codon 173 of the CDKN1B protein (p.Asn173Tyr). This variant is not present in population databases (gnomAD no frequency). In summary, the available evidence is currently insufficient to determine the role of this variant in disease. Therefore, it has been classified as a Variant of Uncertain Significance. Algorithms developed to predict the effect of missense changes on protein structure and function are either unavailable or do not agree on the potential impact of this missense change (SIFT: "Deleterious"; PolyPhen-2: "Possibly Damaging"; Align-GVGD: "Class C15"). This variant has not been reported in the literature in individuals affected with CDKN1B-related conditions.